The following is an entry in ClinVar:

ClinVar aggregate classification (germline): Uncertain significance (1 of 4 stars; one submission).

Allele frequency attached by ClinVar (database versions not stated): TOPMed below 0.00001; gnomAD exomes 0.00001.
gnomAD v4.1: 14 of 1,613,546 alleles (0.00087%); highest among the groups gnomAD compares: Non-Finnish European, 0.0012%; no homozygotes.

Submission:

Labcorp Genetics (formerly Invitae), Labcorp
Classification: Uncertain significance. Last evaluated: 2022-12-06. Review status: criteria provided, single submitter. Criteria: Invitae Variant Classification Sherloc (09022015). Collection method: clinical testing. Allele origin: germline.
Comment: In summary, the available evidence is currently insufficient to determine the role of this variant in disease. Therefore, it has been classified as a Variant of Uncertain Significance. Advanced modeling of protein sequence and biophysical properties (such as structural, functional, and spatial information, amino acid conservation, physicochemical variation, residue mobility, and thermodynamic stability) performed at Invitae indicates that this missense variant is not expected to disrupt COL9A1 protein function. ClinVar contains an entry for this variant (Variation ID: 1481764). This variant has not been reported in the literature in individuals affected with COL9A1-related conditions. This variant is present in population databases (no rsID available, gnomAD 0.002%). This sequence change replaces proline, which is neutral and non-polar, with threonine, which is neutral and polar, at codon 45 of the COL9A1 protein (p.Pro45Thr).

NM_001851.6(COL9A1):c.133C>A (p.Pro45Thr)

Gene: COL9A1 (collagen type IX alpha 1 chain; minus strand). Cytogenetic location: 6q13.
Variant type: single nucleotide variant.
Coding change: c.133C>A on transcript NM_001851.6 (MANE Select); coding-DNA position 133, C replaced by A.
Protein change: p.Pro45Thr; replaces proline 45 with threonine.
Molecular consequence: missense variant.
Genome position (GRCh38, 1-based): chr6:70,300,342, G>T on the plus strand (C>A on the coding strand, the complement: COL9A1 is on the minus strand). VCF-style: chr6-70300342-G-T. GRCh37 (hg19) VCF-style: chr6-71010045-G-T.
Other names: c.133C>A, p.Pro45Thr (NM_001377291.1); short protein forms P45T.
Identifiers: ClinVar variation 1481764 (VCV001481764.8), dbSNP rs1293482329, ClinGen allele CA364675124.